The following is an entry in ClinVar:

ClinVar aggregate classification (germline): Uncertain significance (1 of 4 stars; one submission).

Conditions:
Kabuki syndrome. Also called: Kabuki make-up syndrome; NIIKAWA-KUROKI SYNDROME. Identifiers: Orphanet 2322, MedGen C0796004, MONDO:0016512.

gnomAD v4.1: 1 of 1,613,784 alleles (0.000062%); highest among the groups gnomAD compares: African/African-American, 0.0013%; no homozygotes.

Submission:

Labcorp Genetics (formerly Invitae), Labcorp
Classification: Uncertain significance for Kabuki syndrome. Last evaluated: 2024-07-23. Review status: criteria provided, single submitter. Criteria: Invitae Variant Classification Sherloc (09022015). Collection method: clinical testing. Allele origin: germline.
Comment: This sequence change replaces glutamic acid, which is acidic and polar, with alanine, which is neutral and non-polar, at codon 4549 of the KMT2D protein (p.Glu4549Ala). This variant is not present in population databases (gnomAD no frequency). This variant has not been reported in the literature in individuals affected with KMT2D-related conditions. Advanced modeling of protein sequence and biophysical properties (such as structural, functional, and spatial information, amino acid conservation, physicochemical variation, residue mobility, and thermodynamic stability) performed at Invitae indicates that this missense variant is not expected to disrupt KMT2D protein function with a negative predictive value of 95%. In summary, the available evidence is currently insufficient to determine the role of this variant in disease. Therefore, it has been classified as a Variant of Uncertain Significance.

NM_003482.4(KMT2D):c.13646A>C (p.Glu4549Ala)

Gene: KMT2D (lysine methyltransferase 2D; minus strand). Cytogenetic location: 12q13.12.
Variant type: single nucleotide variant.
Coding change: c.13646A>C on transcript NM_003482.4 (MANE Select); coding-DNA position 13646, A replaced by C.
Protein change: p.Glu4549Ala; replaces glutamic acid 4549 with alanine.
Molecular consequence: missense variant.
Genome position (GRCh38, 1-based): chr12:49,030,918, T>G on the plus strand (A>C on the coding strand, the complement: KMT2D is on the minus strand). VCF-style: chr12-49030918-T-G. GRCh37 (hg19) VCF-style: chr12-49424701-T-G.
Other names: short protein forms E4549A.
Identifiers: ClinVar variation 3711884 (VCV003711884.2).